The following is an entry in ClinVar:

ClinVar aggregate classification (germline): Uncertain significance. Review status: criteria provided, multiple submitters, no conflicts (2 of 4 stars). 2 submissions from 2 submitters: Uncertain significance (2). Last evaluated 2025-12-03.

Allele frequency attached by ClinVar (database versions not stated): gnomAD 0.00001; TOPMed 0.00002.
gnomAD v4.1: 5 of 1,609,890 alleles (0.00031%); highest among the groups gnomAD compares: African/African-American, 0.004%; no homozygotes.

Submissions (2):

Labcorp Genetics (formerly Invitae), Labcorp
Classification: Uncertain significance. Last evaluated: 2025-12-03. Review status: criteria provided, single submitter. Criteria: Invitae Variant Classification Sherloc (09022015). Collection method: clinical testing. Allele origin: germline.
Comment: This sequence change replaces proline, which is neutral and non-polar, with serine, which is neutral and polar, at codon 440 of the LRRC56 protein (p.Pro440Ser). This variant is present in population databases (no rsID available, gnomAD 0.007%). This variant has not been reported in the literature in individuals affected with LRRC56-related conditions. ClinVar contains an entry for this variant (Variation ID: 3120814). An algorithm developed to predict the effect of missense changes on protein structure and function outputs the following: PolyPhen-2: "Benign". The serine amino acid residue is found in multiple mammalian species, which suggests that this missense change does not adversely affect protein function. In summary, the available evidence is currently insufficient to determine the role of this variant in disease. Therefore, it has been classified as a Variant of Uncertain Significance.

Ambry Genetics
Classification: Uncertain significance. Last evaluated: 2024-02-28. Review status: criteria provided, single submitter. Criteria: Ambry Variant Classification Scheme 2023. Collection method: clinical testing. Allele origin: germline.

NM_198075.4(LRRC56):c.1318C>T (p.Pro440Ser)

Gene: LRRC56 (leucine rich repeat containing 56; plus strand). Cytogenetic location: 11p15.5.
Variant type: single nucleotide variant.
Coding change: c.1318C>T on transcript NM_198075.4 (MANE Select); coding-DNA position 1318, C replaced by T.
Protein change: p.Pro440Ser; replaces proline 440 with serine.
Molecular consequence: missense variant.
Genome position (GRCh38, 1-based): chr11:553,965, C>T. VCF-style: chr11-553965-C-T. GRCh37 (hg19) VCF-style: chr11-553965-C-T.
Other names: short protein forms P440S.
Identifiers: ClinVar variation 3120814 (VCV003120814.2), dbSNP rs1217678271, ClinGen allele CA378953902.